The following is an entry in ClinVar:

NM_001165963.4(SCN1A):c.3893G>C (p.Ser1298Thr)

Genes: SCN1A (sodium voltage-gated channel alpha subunit 1; minus strand), LOC102724058 (uncharacterized LOC102724058; plus strand). Cytogenetic location: 2q24.3.
Variant type: single nucleotide variant.
Coding change: c.3893G>C on transcript NM_001165963.4 (MANE Select); coding-DNA position 3893, G replaced by C.
Protein change: p.Ser1298Thr; replaces serine 1298 with threonine.
Molecular consequence: missense variant. On other transcripts: non-coding transcript variant (1).
Genome position (GRCh38, 1-based): chr2:166,009,828, C>G on the plus strand (G>C on the coding strand, the complement: SCN1A is on the minus strand). VCF-style: chr2-166009828-C-G. GRCh37 (hg19) VCF-style: chr2-166866338-C-G.
Other names: c.3809G>C, p.Ser1270Thr (NM_001165964.3, NM_001353957.2, NM_001353958.2); c.3893G>C, p.Ser1298Thr (NM_001202435.3, NM_001353948.2); c.3860G>C, p.Ser1287Thr (NM_001353949.2, NM_001353950.2, NM_001353951.2 and 2 more transcripts); c.3857G>C, p.Ser1286Thr (NM_001353954.2, NM_001353955.2); c.3806G>C, p.Ser1269Thr (NM_001353960.2); c.1451G>C, p.Ser484Thr (NM_001353961.2); short protein forms S1286T, S1287T, S1298T, S1269T, S1270T, S484T.
Identifiers: ClinVar variation 1505698 (VCV001505698.7), dbSNP rs2105571316, ClinGen allele CA349053473.

ClinVar aggregate classification (germline): Likely pathogenic (1 of 4 stars; one submission).

Conditions:
Early-infantile DEE. Also called: Early infantile epileptic encephalopathy; Ohtahara syndrome; Early infantile epileptic encephalopathy with suppression bursts. Identifiers: Orphanet 1934, MedGen C0393706, MONDO:0800491.

Submission:

Labcorp Genetics (formerly Invitae), Labcorp
Classification: Likely pathogenic for Early-infantile DEE. Last evaluated: 2024-06-24. Review status: criteria provided, single submitter. Criteria: Invitae Variant Classification Sherloc (09022015). Collection method: clinical testing. Allele origin: germline.
Comment: This sequence change replaces serine, which is neutral and polar, with threonine, which is neutral and polar, at codon 1298 of the SCN1A protein (p.Ser1298Thr). This variant is not present in population databases (gnomAD no frequency). This missense change has been observed in individual(s) with clinical features of autosomal dominant SCN1A-related conditions (Invitae). In at least one individual the variant was observed to be de novo. ClinVar contains an entry for this variant (Variation ID: 1505698). Advanced modeling of protein sequence and biophysical properties (such as structural, functional, and spatial information, amino acid conservation, physicochemical variation, residue mobility, and thermodynamic stability) has been performed at Invitae for this missense variant, however the output from this modeling did not meet the statistical confidence thresholds required to predict the impact of this variant on SCN1A protein function. In summary, the currently available evidence indicates that the variant is pathogenic, but additional data are needed to prove that conclusively. Therefore, this variant has been classified as Likely Pathogenic.